The following is an entry in ClinVar:

NM_005591.4(MRE11):c.1205G>A (p.Arg402Lys)

Gene: MRE11 (MRE11 double strand break repair nuclease; minus strand). Cytogenetic location: 11q21.
Variant type: single nucleotide variant.
Coding change: c.1205G>A on transcript NM_005591.4 (MANE Select); coding-DNA position 1205, G replaced by A.
Protein change: p.Arg402Lys; replaces arginine 402 with lysine.
Molecular consequence: missense variant.
Genome position (GRCh38, 1-based): chr11:94,464,133, C>T on the plus strand (G>A on the coding strand, the complement: MRE11 is on the minus strand). VCF-style: chr11-94464133-C-T. GRCh37 (hg19) VCF-style: chr11-94197299-C-T.
Other names: c.1205G>A, p.Arg402Lys (NM_001330347.2, NM_005590.4); short protein forms R402K.
Identifiers: ClinVar variation 1799761 (VCV001799761.2), dbSNP rs778211645, ClinGen allele CA382372707.

ClinVar aggregate classification (germline): Uncertain significance (1 of 4 stars; one submission).

Conditions:
Hereditary cancer-predisposing syndrome. Also called: Neoplastic Syndromes, Hereditary; Tumor predisposition; Hereditary Cancer Syndrome; Hereditary neoplastic syndrome. Identifiers: Orphanet 140162, MedGen C0027672, MeSH D009386, MONDO:0015356.

Submission:

Ambry Genetics
Classification: Uncertain significance for Hereditary cancer-predisposing syndrome. Last evaluated: 2022-01-07. Review status: criteria provided, single submitter. Criteria: Ambry Variant Classification Scheme 2023. Collection method: clinical testing. Allele origin: germline.
Comment: The p.R402K variant (also known as c.1205G>A), located in coding exon 10 of the MRE11A gene, results from a G to A substitution at nucleotide position 1205. The arginine at codon 402 is replaced by lysine, an amino acid with highly similar properties. This amino acid position is conserved. In addition, this alteration is predicted to be tolerated by in silico analysis. Since supporting evidence is limited at this time, the clinical significance of this alteration remains unclear.